The following is an entry in ClinVar:

ClinVar aggregate classification (germline): Uncertain significance (1 of 4 stars; one submission).

Conditions:
Inborn genetic diseases. Identifiers: MedGen C0950123, MeSH D030342.

Submission:

Ambry Genetics
Classification: Uncertain significance for Inborn genetic diseases. Last evaluated: 2024-03-18. Review status: criteria provided, single submitter. Criteria: Ambry Variant Classification Scheme 2023. Collection method: clinical testing. Allele origin: germline.
Comment: The p.K464T variant (also known as c.1391A>C), located in coding exon 12 of the LRRK2 gene, results from an A to C substitution at nucleotide position 1391. The lysine at codon 464 is replaced by threonine, an amino acid with similar properties. This amino acid position is conserved. In addition, this alteration is predicted to be tolerated by in silico analysis. Based on the available evidence, the clinical significance of this alteration remains unclear.

NM_198578.4(LRRK2):c.1391A>C (p.Lys464Thr)

Gene: LRRK2 (leucine rich repeat kinase 2; plus strand). Cytogenetic location: 12q12.
Variant type: single nucleotide variant.
Coding change: c.1391A>C on transcript NM_198578.4 (MANE Select); coding-DNA position 1391, A replaced by C.
Protein change: p.Lys464Thr; replaces lysine 464 with threonine.
Molecular consequence: missense variant.
Genome position (GRCh38, 1-based): chr12:40,257,350, A>C. VCF-style: chr12-40257350-A-C. GRCh37 (hg19) VCF-style: chr12-40651152-A-C.
Other names: short protein forms K464T.
Identifiers: ClinVar variation 3291920 (VCV003291920.1).